The following is an entry in ClinVar:

ClinVar aggregate classification (germline): Likely benign. Review status: criteria provided, multiple submitters, no conflicts (2 of 4 stars). 2 submissions from 2 submitters: Likely benign (2). Last evaluated 2025-12-09.

Conditions:
Familial acute necrotizing encephalopathy (IIAE3). Also called: ENCEPHALOPATHY, ACUTE, INFECTION-INDUCED, SUSCEPTIBILITY TO, 3; Susceptibility to Acute Necrotizing Encephalopathy 1. Identifiers: Orphanet 88619, MedGen C2675556, MONDO:0011953, OMIM 608033.

Allele frequency attached by ClinVar (database versions not stated): gnomAD 0.00004 and 0.00007; TOPMed 0.00005; gnomAD exomes 0.00006 and 0.00008; ExAC 0.00010; 1000 Genomes Project 30x 0.00016; 1000 Genomes Project 0.00020.
gnomAD v4.1: 103 of 1,610,594 alleles (0.0064%); highest among the groups gnomAD compares: East Asian, 0.11%; no homozygotes.

Submissions (2):

Labcorp Genetics (formerly Invitae), Labcorp
Classification: Likely benign for Familial acute necrotizing encephalopathy. Last evaluated: 2025-12-09. Review status: criteria provided, single submitter. Criteria: Invitae Variant Classification Sherloc (09022015). Collection method: clinical testing. Allele origin: germline.

CeGaT Center for Human Genetics Tuebingen
Classification: Likely benign. Last evaluated: 2022-04-01. Review status: criteria provided, single submitter. Criteria: CeGaT Center For Human Genetics Tuebingen Variant Classification Criteria Version 2. Collection method: clinical testing. Allele origin: germline. Affected: yes. Observed: 1 variant allele.
Comment: RANBP2: BP4, BP7

NM_006267.5(RANBP2):c.1911C>T (p.Asp637=)

Gene: RANBP2 (RAN binding protein 2; plus strand). Cytogenetic location: 2q13.
Variant type: single nucleotide variant.
Coding change: c.1911C>T on transcript NM_006267.5 (MANE Select); coding-DNA position 1911, C replaced by T.
Protein change: p.Asp637=; no amino-acid change (aspartic acid 637 retained).
Molecular consequence: synonymous variant.
Genome position (GRCh38, 1-based): chr2:108,753,153, C>T. VCF-style: chr2-108753153-C-T. GRCh37 (hg19) VCF-style: chr2-109369609-C-T.
Identifiers: ClinVar variation 1541194 (VCV001541194.32), dbSNP rs202210294, ClinGen allele CA1822466.